The following is an entry in ClinVar:

ClinVar aggregate classification (germline): Uncertain significance. Review status: criteria provided, multiple submitters, no conflicts (2 of 4 stars). 2 submissions from 2 submitters: Uncertain significance (2). Last evaluated 2025-12-09.

Conditions:
Cardiovascular phenotype. Identifiers: MedGen CN230736.

gnomAD v4.1: 2 of 1,614,232 alleles (0.00012%); highest among the groups gnomAD compares: Non-Finnish European, 0.00017%; no homozygotes.

Submissions (2):

Labcorp Genetics (formerly Invitae), Labcorp
Classification: Uncertain significance. Last evaluated: 2025-12-09. Review status: criteria provided, single submitter. Criteria: Invitae Variant Classification Sherloc (09022015). Collection method: clinical testing. Allele origin: germline.
Comment: This sequence change replaces alanine, which is neutral and non-polar, with serine, which is neutral and polar, at codon 712 of the ALPK3 protein (p.Ala712Ser). This variant is not present in population databases (gnomAD no frequency). This variant has not been reported in the literature in individuals affected with ALPK3-related conditions. ClinVar contains an entry for this variant (Variation ID: 2449094). Invitae Evidence Modeling of protein sequence and biophysical properties (such as structural, functional, and spatial information, amino acid conservation, physicochemical variation, residue mobility, and thermodynamic stability) indicates that this missense variant is not expected to disrupt ALPK3 protein function with a negative predictive value of 80%. In summary, the available evidence is currently insufficient to determine the role of this variant in disease. Therefore, it has been classified as a Variant of Uncertain Significance.

Ambry Genetics
Classification: Uncertain significance for Cardiovascular phenotype. Last evaluated: 2022-12-06. Review status: criteria provided, single submitter. Criteria: Ambry Variant Classification Scheme 2023. Collection method: clinical testing. Allele origin: germline.
Comment: The p.A712S variant (also known as c.2134G>T), located in coding exon 5 of the ALPK3 gene, results from a G to T substitution at nucleotide position 2134. The alanine at codon 712 is replaced by serine, an amino acid with similar properties. This amino acid position is conserved. In addition, this alteration is predicted to be tolerated by in silico analysis. Since supporting evidence is limited at this time, the clinical significance of this alteration remains unclear.

NM_020778.5(ALPK3):c.1528G>T (p.Ala510Ser)

Genes: ALPK3 (alpha kinase 3; plus strand), LOC111718493 (skeletal muscle cis-regulatory module overlapping ALPK3; plus strand). Cytogenetic location: 15q25.3.
Variant type: single nucleotide variant.
Coding change: c.1528G>T on transcript NM_020778.5 (MANE Select); coding-DNA position 1528, G replaced by T.
Protein change: p.Ala510Ser; replaces alanine 510 with serine.
Molecular consequence: missense variant.
Genome position (GRCh38, 1-based): chr15:84,840,807, G>T. VCF-style: chr15-84840807-G-T. GRCh37 (hg19) VCF-style: chr15-85384038-G-T.
Other names: short protein forms A510S.
Identifiers: ClinVar variation 2449094 (VCV002449094.3), dbSNP rs2505706849, ClinGen allele CA393375824.